The following is an entry in ClinVar:

ClinVar aggregate classification (germline): Pathogenic (1 of 4 stars; one submission).

Conditions:
VPS13A-related neurodegenerative disease. Also called: ACANTHOCYTOSIS WITH NEUROLOGIC DISORDER; LEVINE-CRITCHLEY SYNDROME; Choreoacanthocytosis; Chorea-acanthocytosis; Choreaacanthocytosis; VPS13A Disease. Identifiers: Orphanet 2388, MedGen C0393576, MONDO:0008695, OMIM 200150.

Submission:

Myriad Genetics, Inc.
Classification: Pathogenic for VPS13A-related neurodegenerative disease. Last evaluated: 2024-05-14. Review status: criteria provided, single submitter. Criteria: Myriad Autosomal Dominant, Autosomal Recessive and X-Linked Classification Criteria (2023). Collection method: clinical testing. Allele origin: unknown.
Comment: NM_033305.2(VPS13A):c.2717_2718ins14(E907Rfs*4) is expected to be pathogenic in the context of VPS13A disease. This variant is predicted to lead to an abnormal or absent protein product due to the creation of a premature termination codon in VPS13A, a gene where loss-of-function variants are known to be pathogenic. Please note: this variant was assessed in the context of healthy population screening.

NM_033305.3(VPS13A):c.2717_2718insCAGATGTGTATAAG (p.Val906_Glu907insArgCysValTer)

Gene: VPS13A (vacuolar protein sorting 13 homolog A; plus strand). Cytogenetic location: 9q21.2.
Variant type: Insertion.
Coding change: c.2717_2718insCAGATGTGTATAAG on transcript NM_033305.3 (MANE Select); coding-DNA positions 2717 to 2718, CAGATGTGTATAAG inserted.
Protein change: p.Val906_Glu907insArgCysValTer.
Molecular consequence: nonsense.
Genome position: GRCh38 VCF-style: chr9-77276114-T-TCAGATGTGTATAAG. GRCh37 (hg19) VCF-style: chr9-79891030-T-TCAGATGTGTATAAG.
Other names: c.2717_2718insCAGATGTGTATAAG, p.Val906_Glu907insArgCysValTer (NM_001018037.2, NM_001018038.3, NM_015186.4).
Identifiers: ClinVar variation 5010922 (VCV005010922.1).
Genomic context (GRCh38, chr9:77,276,114, plus strand): 5'-TTCTTCTCCAGGTTTTGATCGAGTTTTATCACCTTGTTGGAGATTGTGAACTATCTGTGG[T>TCAGATGTGTATAAG]AGAAATTCTTGTTTTAGGATTGGGTGCAGAAATTGAGATTAGAACATACGATTTGAAAGC-3'